The following is an entry in ClinVar:

NM_000381.4(MID1):c.1543A>G (p.Lys515Glu)

Gene: MID1 (midline 1; minus strand). Cytogenetic location: Xp22.2.
Variant type: single nucleotide variant.
Coding change: c.1543A>G on transcript NM_000381.4 (MANE Select); coding-DNA position 1543, A replaced by G.
Protein change: p.Lys515Glu; replaces lysine 515 with glutamic acid.
Molecular consequence: missense variant.
Genome position (GRCh38, 1-based): chrX:10,454,982, T>C on the plus strand (A>G on the coding strand, the complement: MID1 is on the minus strand). VCF-style: chrX-10454982-T-C. GRCh37 (hg19) VCF-style: chrX-10423022-T-C.
Other names: c.1543A>G, p.Lys515Glu (NM_001098624.2, NM_001193277.1, NM_001347733.2 and 1 more transcripts); c.1429A>G, p.Lys477Glu (NM_033289.2); short protein forms K477E, K515E.
Identifiers: ClinVar variation 4882360 (VCV004882360.2).

ClinVar aggregate classification (germline): Uncertain significance (1 of 4 stars; one submission).

Conditions:
X-linked Opitz G/BBB syndrome (GBBB). Also called: OPITZ BBBG SYNDROME, TYPE I; OPITZ SYNDROME, X-LINKED; OPITZ-G SYNDROME, TYPE I; Opitz-Frias syndrome; MID1-Related Opitz G/BBB Syndrome. Identifiers: Orphanet 2745, MedGen C2936904, MONDO:0010222, OMIM 300000.

Submission:

Dasa
Classification: Uncertain significance for X-linked Opitz G/BBB syndrome. Last evaluated: 2024-10-20. Review status: criteria provided, single submitter. Criteria: DASA Assertion Criteria. Collection method: clinical testing. Allele origin: germline.
Comment: NM_000381.4(MID1):c.1543A>G (p.Lys515Glu) is a missense variant that results in the substitution of lysine with glutamic acid. This variant is absent from population databases. Computational prediction algorithms are consistent with a benign effect. The currently available literature and clinical evidence are not sufficient to establish a definitive association between this variant and the reported condition. Therefore, this variant is classified as a variant of uncertain significance.